The following is an entry in ClinVar:

ClinVar aggregate classification (germline): Uncertain significance. Review status: criteria provided, multiple submitters, no conflicts (2 of 4 stars). 2 submissions from 2 submitters: Uncertain significance (2). Last evaluated 2022-08-16.

Conditions:
Autosomal recessive dyskeratosis congenita. Identifiers: MedGen C3502105.
Hoyeraal-Hreidarsson syndrome (HHS). Also called: CEREBELLAR HYPOPLASIA WITH PANCYTOPENIA. Identifiers: Orphanet 3322, MedGen C1846142, MONDO:0018045.

Allele frequency attached by ClinVar (database versions not stated): gnomAD exomes below 0.00001; TOPMed below 0.00001; ExAC 0.00001.
gnomAD v4.1: 1 of 1,614,170 alleles (0.000062%); highest among the groups gnomAD compares: Admixed American, 0.0017%; no homozygotes.

Submissions (2):

Labcorp Genetics (formerly Invitae), Labcorp
Classification: Uncertain significance for Hoyeraal-Hreidarsson syndrome; Autosomal recessive dyskeratosis congenita. Last evaluated: 2022-08-16. Review status: criteria provided, single submitter. Criteria: Invitae Variant Classification Sherloc (09022015). Collection method: clinical testing. Allele origin: germline.
Comment: This sequence change replaces glutamine, which is neutral and polar, with histidine, which is basic and polar, at codon 293 of the DCLRE1B protein (p.Gln293His). This variant is present in population databases (rs772803140, gnomAD 0.003%). This variant has not been reported in the literature in individuals affected with DCLRE1B-related conditions. ClinVar contains an entry for this variant (Variation ID: 933292). Algorithms developed to predict the effect of missense changes on protein structure and function are either unavailable or do not agree on the potential impact of this missense change (SIFT: "Tolerated"; PolyPhen-2: "Possibly Damaging"; Align-GVGD: "Class C0"). In summary, the available evidence is currently insufficient to determine the role of this variant in disease. Therefore, it has been classified as a Variant of Uncertain Significance.

Breakthrough Genomics
Classification: Uncertain significance. Review status: criteria provided, single submitter. Criteria: ACMG Guidelines, 2015. Collection method: not provided. Allele origin: germline. Inheritance: Autosomal recessive inheritance. Affected: yes.

NM_022836.4(DCLRE1B):c.879G>C (p.Gln293His)

Gene: DCLRE1B (DNA cross-link repair 1B; plus strand). Cytogenetic location: 1p13.2.
Variant type: single nucleotide variant.
Coding change: c.879G>C on transcript NM_022836.4 (MANE Select); coding-DNA position 879, G replaced by C.
Protein change: p.Gln293His; replaces glutamine 293 with histidine.
Molecular consequence: missense variant.
Genome position (GRCh38, 1-based): chr1:113,911,471, G>C. VCF-style: chr1-113911471-G-C. GRCh37 (hg19) VCF-style: chr1-114454093-G-C.
Other names: c.501G>C, p.Gln167His (NM_001319946.2, NM_001319947.2, NM_001363691.2); c.879G>C, p.Gln293His (NM_001363690.2); short protein forms Q167H, Q293H.
Identifiers: ClinVar variation 933292 (VCV000933292.10), dbSNP rs772803140, ClinGen allele CA1016486.